The following is an entry in ClinVar:

ClinVar aggregate classification (germline): Conflicting classifications of pathogenicity. Review status: criteria provided, conflicting classifications (1 of 4 stars). 3 submissions from 3 submitters: Uncertain significance (1); Likely benign (2). Last evaluated 2025-01-27.

Conditions:
Charcot-Marie-Tooth disease axonal type 2O. Also called: CHARCOT-MARIE-TOOTH NEUROPATHY, AXONAL, TYPE 2O; CHARCOT-MARIE-TOOTH DISEASE, AXONAL, AUTOSOMAL DOMINANT, TYPE 2O; Charcot-Marie-Tooth Neuropathy Type 2O; Charcot-Marie-Tooth disease, axonal, type 20. Identifiers: Orphanet 284232, MedGen C3280220, MONDO:0013644, OMIM 614228.
DYNC1H1-related disorder. Also called: DYNC1H1-related disorders; DYNC1H1-related condition. Identifiers: MedGen CN381529.

gnomAD v4.1: 24 of 1,613,784 alleles (0.0015%); highest among the groups gnomAD compares: East Asian, 0.0089%; no homozygotes.

Submissions (3):

Labcorp Genetics (formerly Invitae), Labcorp
Classification: Likely benign for Charcot-Marie-Tooth disease axonal type 2O. Last evaluated: 2025-01-27. Review status: criteria provided, single submitter. Criteria: Invitae Variant Classification Sherloc (09022015). Collection method: clinical testing. Allele origin: germline.

PreventionGenetics, part of Exact Sciences
Classification: Likely benign for DYNC1H1-related condition. Last evaluated: 2025-01-06. Review status: criteria provided, single submitter. Criteria: ACMG Guidelines, 2015. Collection method: clinical testing. Allele origin: germline.
Comment: This variant is classified as likely benign based on ACMG/AMP sequence variant interpretation guidelines (Richards et al. 2015 PMID: 25741868, with internal and published modifications).

GeneDx
Classification: Uncertain significance. Last evaluated: 2020-06-19. Review status: criteria provided, single submitter. Criteria: GeneDx Variant Classification Process June 2021. Collection method: clinical testing. Allele origin: germline. Affected: yes.
Comment: Has not been previously published as pathogenic or benign to our knowledge; In-silico analysis is inconclusive as to whether the variant alters gene splicing. In the absence of RNA/functional studies, the actual effect of this sequence change is unknown.

NM_001376.5(DYNC1H1):c.12678G>A (p.Thr4226=)

Gene: DYNC1H1 (dynein cytoplasmic 1 heavy chain 1; plus strand). Cytogenetic location: 14q32.31.
Variant type: single nucleotide variant.
Coding change: c.12678G>A on transcript NM_001376.5 (MANE Select); coding-DNA position 12678, G replaced by A.
Protein change: p.Thr4226=; no amino-acid change (threonine 4226 retained).
Molecular consequence: synonymous variant.
Genome position (GRCh38, 1-based): chr14:102,044,039, G>A. VCF-style: chr14-102044039-G-A. GRCh37 (hg19) VCF-style: chr14-102510376-G-A.
Identifiers: ClinVar variation 1312722 (VCV001312722.10), dbSNP rs370256973, ClinGen allele CA7353989.